The following is an entry in ClinVar:

ClinVar aggregate classification (germline): Pathogenic/Likely pathogenic. Review status: criteria provided, multiple submitters, no conflicts (2 of 4 stars). 5 submissions from 5 submitters: Pathogenic (1); Likely pathogenic (3). 1 of the submissions does not count toward it. Last evaluated 2024-10-17.

Conditions:
NEB-related disorder. Also called: NEB-Related Disorders; NEB-related condition.
Nemaline myopathy 2 (NEM2). Also called: Nemaline myopathy 2, autosomal recessive. Identifiers: MedGen C1850569, MONDO:0009725, OMIM 256030.
Arthrogryposis multiplex congenita 6. Identifiers: MedGen C5543431, MONDO:0030281, OMIM 619334.

Allele frequency attached by ClinVar (database versions not stated): gnomAD 0.00001; TOPMed 0.00001.
gnomAD v4.1: 37 of 1,609,484 alleles (0.0023%); highest among the groups gnomAD compares: Non-Finnish European, 0.0029%; no homozygotes.

Submissions (5):

Natera, Inc.
Classification: Likely pathogenic for Nemaline myopathy type 2. Last evaluated: 2024-10-17. Review status: criteria provided, single submitter. Criteria: Natera Variant Classification Schema (03/2026). Collection method: clinical testing. Allele origin: germline.
Comment: The c.9414+1G>T variant in NEB is a canonical splice donor site variant predicted to affect pre-mRNA splicing, which may result in an abnormal transcript and altered protein product. This variant may result in a truncated or dysfunctional protein product. This variant is rare in the general population with a frequency below the threshold expected for the associated phenotype(s). This variant has been observed in one or more individuals affected with the associated recessive disease, as either homozygous or compound heterozygous with a second variant (PMID: 25205138). Given the available evidence, this variant is classified as Likely Pathogenic.

Labcorp Genetics (formerly Invitae), Labcorp
Classification: Pathogenic for Nemaline myopathy 2. Last evaluated: 2023-12-10. Review status: criteria provided, single submitter. Criteria: Invitae Variant Classification Sherloc (09022015). Collection method: clinical testing. Allele origin: germline.
Comment: This sequence change affects a donor splice site in intron 65 of the NEB gene. It is expected to disrupt RNA splicing. Variants that disrupt the donor or acceptor splice site typically lead to a loss of protein function (PMID: 16199547), and loss-of-function variants in NEB are known to be pathogenic (PMID: 25205138). This variant is not present in population databases (gnomAD no frequency). Disruption of this splice site has been observed in individual(s) with autosomal recessive nemaline myopathy (PMID: 25205138). In at least one individual the data is consistent with being in trans (on the opposite chromosome) from a pathogenic variant. ClinVar contains an entry for this variant (Variation ID: 555780). Algorithms developed to predict the effect of sequence changes on RNA splicing suggest that this variant may disrupt the consensus splice site. For these reasons, this variant has been classified as Pathogenic.

Baylor Genetics
Classification: Likely pathogenic for Arthrogryposis multiplex congenita 6. Last evaluated: 2023-08-30. Review status: criteria provided, single submitter. Criteria: ACMG Guidelines, 2015. Collection method: clinical testing. Allele origin: unknown.

Blueprint Genetics
Classification: Likely pathogenic for NEB-related disorders. Last evaluated: 2023-03-29. Review status: criteria provided, single submitter. Criteria: ACMG Guidelines, 2015. Collection method: clinical testing. Allele origin: germline. Affected: yes. Observed: 2 variant alleles.

Counsyl
Classification: Likely pathogenic for Nemaline myopathy 2. Last evaluated: 2017-12-21. Review status: no assertion criteria provided. Collection method: clinical testing. Allele origin: unknown. Not counted in ClinVar's aggregate classification.

Literature cited by the submitters: PubMed 25205138 (cited by 3 submitters); PubMed 16199547 (cited by Labcorp Genetics (formerly Invitae), Labcorp).

NM_001164508.2(NEB):c.9414+1G>T

Gene: NEB (nebulin; minus strand). Cytogenetic location: 2q23.3.
Variant type: single nucleotide variant.
Coding change: c.9414+1G>T on transcript NM_001164508.2 (MANE Select); the canonical splice donor site of the intron after coding-DNA position 9414, G replaced by T.
Molecular consequence: splice donor variant. On other transcripts: intron variant (1).
Genome position (GRCh38, 1-based): chr2:151,633,653, C>A on the plus strand (G>T on the coding strand, the complement: NEB is on the minus strand). VCF-style: chr2-151633653-C-A. GRCh37 (hg19) VCF-style: chr2-152490167-C-A.
Other names: c.8854-2475G>T (NM_004543.5); c.9414+1G>T (NM_001164507.2, NM_001271208.2).
Identifiers: ClinVar variation 555780 (VCV000555780.15), dbSNP rs1255445731, ClinGen allele CA348802530.